The following is an entry in ClinVar:

NM_006494.4(ERF):c.281T>C (p.Leu94Pro)

Gene: ERF (ETS2 repressor factor; minus strand). Cytogenetic location: 19q13.2.
Variant type: single nucleotide variant.
Coding change: c.281T>C on transcript NM_006494.4 (MANE Select); coding-DNA position 281, T replaced by C.
Protein change: p.Leu94Pro; replaces leucine 94 with proline.
Molecular consequence: missense variant.
Genome position (GRCh38, 1-based): chr19:42,249,919, A>G on the plus strand (T>C on the coding strand, the complement: ERF is on the minus strand). VCF-style: chr19-42249919-A-G. GRCh37 (hg19) VCF-style: chr19-42754071-A-G.
Other names: c.56T>C, p.Leu19Pro (NM_001301035.2, NM_001308402.2, NM_001312656.2); short protein forms L19P, L94P.
Identifiers: ClinVar variation 2738089 (VCV002738089.3), dbSNP rs2513524209, ClinGen allele CA406114650.

ClinVar aggregate classification (germline): Uncertain significance (1 of 4 stars; one submission).

Conditions:
TWIST1-related craniosynostosis (CRS1). Also called: CRANIOSYNOSTOSIS 1. Identifiers: Orphanet 63440, MedGen C4551902, MONDO:0007399, OMIM 123100. Inheritance: Heterogenous inheritance pattern.

Submission:

Labcorp Genetics (formerly Invitae), Labcorp
Classification: Uncertain significance for TWIST1-related craniosynostosis. Last evaluated: 2023-10-04. Review status: criteria provided, single submitter. Criteria: Invitae Variant Classification Sherloc (09022015). Collection method: clinical testing. Allele origin: germline.
Comment: This sequence change replaces leucine, which is neutral and non-polar, with proline, which is neutral and non-polar, at codon 94 of the ERF protein (p.Leu94Pro). This variant is not present in population databases (gnomAD no frequency). This variant has not been reported in the literature in individuals affected with ERF-related conditions. Advanced modeling of protein sequence and biophysical properties (such as structural, functional, and spatial information, amino acid conservation, physicochemical variation, residue mobility, and thermodynamic stability) performed at Invitae indicates that this missense variant is expected to disrupt ERF protein function. In summary, the available evidence is currently insufficient to determine the role of this variant in disease. Therefore, it has been classified as a Variant of Uncertain Significance.